The following is an entry in ClinVar:

NM_000214.3(JAG1):c.130A>G (p.Asn44Asp)

Gene: JAG1 (jagged canonical Notch ligand 1; minus strand). Cytogenetic location: 20p12.2.
Variant type: single nucleotide variant.
Coding change: c.130A>G on transcript NM_000214.3 (MANE Select); coding-DNA position 130, A replaced by G.
Protein change: p.Asn44Asp; replaces asparagine 44 with aspartic acid.
Molecular consequence: missense variant.
Genome position (GRCh38, 1-based): chr20:10,672,958, T>C on the plus strand (A>G on the coding strand, the complement: JAG1 is on the minus strand). VCF-style: chr20-10672958-T-C. GRCh37 (hg19) VCF-style: chr20-10653606-T-C.
Other names: short protein forms N44D.
Identifiers: ClinVar variation 3573243 (VCV003573243.2).

Conditions:
Arteriohepatic dysplasia. Also called: Alagille Syndrome. Identifiers: Orphanet 52, MedGen C0085280, MeSH D016738, MONDO:0007318.

Submission:

Gilbert/Spinner Lab, Children's Hospital of Philadelphia
No classification provided (evidence only). Condition: Alagille syndrome. Review status: no classification provided. Collection method: research. Allele origin: not applicable. Functional consequence: functionally_abnormal.
ClinVar note: "not provided" was previously submitted as the classification for the variant. However, the classification appeared to be based only on an observation of functional data so it was converted to no classification on 2025-07-30.